The following is an entry in ClinVar:

ClinVar aggregate classification (germline): Uncertain significance (1 of 4 stars; one submission).

Conditions:
Hereditary cancer-predisposing syndrome. Also called: Neoplastic Syndromes, Hereditary; Tumor predisposition; Hereditary neoplastic syndrome; Hereditary Cancer Syndrome. Identifiers: Orphanet 140162, MedGen C0027672, MeSH D009386, MONDO:0015356.

Allele frequency attached by ClinVar (database versions not stated): gnomAD exomes below 0.00001.

Submission:

Ambry Genetics
Classification: Uncertain significance for Hereditary cancer-predisposing syndrome. Last evaluated: 2023-11-08. Review status: criteria provided, single submitter. Criteria: Ambry Variant Classification Scheme 2023. Collection method: clinical testing. Allele origin: germline.
Comment: The p.A182V variant (also known as c.545C>T), located in coding exon 2 of the MEN1 gene, results from a C to T substitution at nucleotide position 545. The alanine at codon 182 is replaced by valine, an amino acid with similar properties. This amino acid position is highly conserved in available vertebrate species. In addition, this alteration is predicted to be deleterious by in silico analysis. Since supporting evidence is limited at this time, the clinical significance of this alteration remains unclear.

NM_001370259.2(MEN1):c.545C>T (p.Ala182Val)

Gene: MEN1 (menin 1; minus strand). Cytogenetic location: 11q13.1.
Variant type: single nucleotide variant.
Coding change: c.545C>T on transcript NM_001370259.2 (MANE Select); coding-DNA position 545, C replaced by T.
Protein change: p.Ala182Val; replaces alanine 182 with valine.
Molecular consequence: missense variant. On other transcripts: non-coding transcript variant (4).
Genome position (GRCh38, 1-based): chr11:64,808,000, G>A on the plus strand (C>T on the coding strand, the complement: MEN1 is on the minus strand). VCF-style: chr11-64808000-G-A. GRCh37 (hg19) VCF-style: chr11-64575472-G-A.
Other names: c.560C>T, p.Ala187Val (NM_000244.4, NM_001407145.1, NM_001407150.1 and 5 more transcripts); c.545C>T, p.Ala182Val (NM_001370251.2, NM_001370260.2, NM_001370261.2 and 12 more transcripts); short protein forms A182V, A187V.
Identifiers: ClinVar variation 3229104 (VCV003229104.1), dbSNP rs1417432434, ClinGen allele CA381185826.
Genomic context (GRCh38, chr11:64,808,000, plus strand): 5'-CCCTTGCCGTGCCAGGTGACCTCAGCTGTCTGCTCCCCATTGGGCCCAAACACTACCCAG[G>A]CATGATCCTCAGACAGGGCGAGGTGGACATCCCGGAGACCCAGGGCCTGGCAGGCCCCAA-3'
Protein context (NP_001357188.2, residues 172-192): DVHLALSEDH[Ala182Val]WVVFGPNGEQ